The following is an entry in ClinVar:

NM_000138.5(FBN1):c.6282C>A (p.Asp2094Glu)

Gene: FBN1 (fibrillin 1; minus strand). Cytogenetic location: 15q21.1.
Variant type: single nucleotide variant.
Coding change: c.6282C>A on transcript NM_000138.5 (MANE Select); coding-DNA position 6282, C replaced by A.
Protein change: p.Asp2094Glu; replaces aspartic acid 2094 with glutamic acid.
Molecular consequence: missense variant.
Genome position (GRCh38, 1-based): chr15:48,437,799, G>T on the plus strand (C>A on the coding strand, the complement: FBN1 is on the minus strand). VCF-style: chr15-48437799-G-T. GRCh37 (hg19) VCF-style: chr15-48729996-G-T.
Other names: c.6282C>A, p.Asp2094Glu (NM_001406716.1); short protein forms D2094E.
Identifiers: ClinVar variation 2931986 (VCV002931986.3), dbSNP rs1397936107, ClinGen allele CA392336954.

ClinVar aggregate classification (germline): Uncertain significance (1 of 4 stars; one submission).

Conditions:
Marfan syndrome (MFS). Also called: MARFAN SYNDROME, TYPE I; Marfan syndrome type 1; Marfan's syndrome; Marfan syndrome, classic; FBN1-Related Marfan Syndrome. Identifiers: Orphanet 284963, Orphanet 558, MedGen C0024796, MONDO:0007947, OMIM 154700.
Familial thoracic aortic aneurysm and aortic dissection (TAAD). Also called: Thoracic aortic aneurysms and dissections. Identifiers: Orphanet 91387, MedGen C4707243, MONDO:0019625.

Submission:

Labcorp Genetics (formerly Invitae), Labcorp
Classification: Uncertain significance for Marfan syndrome; Familial thoracic aortic aneurysm and aortic dissection. Last evaluated: 2023-06-23. Review status: criteria provided, single submitter. Criteria: Invitae Variant Classification Sherloc (09022015). Collection method: clinical testing. Allele origin: germline.
Comment: This sequence change replaces aspartic acid, which is acidic and polar, with glutamic acid, which is acidic and polar, at codon 2094 of the FBN1 protein (p.Asp2094Glu). This variant is not present in population databases (gnomAD no frequency). This variant has not been reported in the literature in individuals affected with FBN1-related conditions. Advanced modeling of protein sequence and biophysical properties (such as structural, functional, and spatial information, amino acid conservation, physicochemical variation, residue mobility, and thermodynamic stability) performed at Invitae indicates that this missense variant is not expected to disrupt FBN1 protein function. In summary, the available evidence is currently insufficient to determine the role of this variant in disease. Therefore, it has been classified as a Variant of Uncertain Significance.